The following is an entry in ClinVar:

NM_005068.3(SIM1):c.1738A>G (p.Asn580Asp)

Gene: SIM1 (SIM bHLH transcription factor 1; minus strand). Cytogenetic location: 6q16.3.
Variant type: single nucleotide variant.
Coding change: c.1738A>G on transcript NM_005068.3 (MANE Select); coding-DNA position 1738, A replaced by G.
Protein change: p.Asn580Asp; replaces asparagine 580 with aspartic acid.
Molecular consequence: missense variant.
Genome position (GRCh38, 1-based): chr6:100,390,924, T>C on the plus strand (A>G on the coding strand, the complement: SIM1 is on the minus strand). VCF-style: chr6-100390924-T-C. GRCh37 (hg19) VCF-style: chr6-100838800-T-C.
Other names: c.1738A>G, p.Asn580Asp (NM_001374769.1); short protein forms N580D.
Identifiers: ClinVar variation 4165332 (VCV004165332.2).

ClinVar aggregate classification (germline): Uncertain significance. Review status: criteria provided, multiple submitters, no conflicts (2 of 4 stars). 2 submissions from 2 submitters: Uncertain significance (2). Last evaluated 2026-06-23.

Conditions:
Inborn genetic diseases. Identifiers: MedGen C0950123, MeSH D030342.
SIM1-related disorder. Also called: SIM1-related disorders; SIM1-related condition.

gnomAD v4.1: 6 of 1,614,012 alleles (0.00037%); highest among the groups gnomAD compares: South Asian, 0.0055%; no homozygotes.

Submissions (2):

PreventionGenetics, part of Exact Sciences
Classification: Uncertain significance for SIM1-related condition. Last evaluated: 2026-06-23. Review status: criteria provided, single submitter. Criteria: ACMG Guidelines, 2015. Collection method: clinical testing. Allele origin: germline.
Comment: The SIM1 c.1738A>G variant is predicted to result in the amino acid substitution p.Asn580Asp. To our knowledge, this variant has not been reported in the literature. This variant is reported in 0.0065% of alleles in individuals of South Asian descent in gnomAD. At this time, the clinical significance of this variant is uncertain due to the absence of conclusive functional and genetic evidence.

Ambry Genetics
Classification: Uncertain significance for Inborn genetic diseases. Last evaluated: 2025-08-04. Review status: criteria provided, single submitter. Criteria: Ambry Variant Classification Scheme 2023. Collection method: clinical testing. Allele origin: germline.